The following is an entry in ClinVar:

NM_000540.3(RYR1):c.14378T>C (p.Leu4793Pro)

Gene: RYR1 (ryanodine receptor 1; plus strand). Cytogenetic location: 19q13.2.
Variant type: single nucleotide variant.
Coding change: c.14378T>C on transcript NM_000540.3 (MANE Select); coding-DNA position 14378, T replaced by C.
Protein change: p.Leu4793Pro; replaces leucine 4793 with proline.
Molecular consequence: missense variant.
Genome position (GRCh38, 1-based): chr19:38,579,995, T>C. VCF-style: chr19-38579995-T-C. GRCh37 (hg19) VCF-style: chr19-39070635-T-C.
Other names: c.14363T>C, p.Leu4788Pro (NM_001042723.2); short protein forms L4793P, L4788P.
Identifiers: ClinVar variation 65962 (VCV000065962.10), dbSNP rs118192179, ClinGen allele CA024130.

ClinVar aggregate classification (germline): Conflicting classifications of pathogenicity. Review status: criteria provided, conflicting classifications (1 of 4 stars). 4 submissions from 4 submitters: Pathogenic (1); Uncertain significance (1). 2 of the submissions do not count toward it. Last evaluated 2021-04-02.

Conditions:
RYR1-related disorder. Also called: RYR1-related condition; RYR1-related disorders. Identifiers: MedGen CN239331.
Central core myopathy (CMYO1A). Also called: Central core disease; Myopathy, central fibrillar; CONGENITAL MYOPATHY 1A, AUTOSOMAL DOMINANT, WITH SUSCEPTIBILITY TO MALIGNANT HYPERTHERMIA. Identifiers: Orphanet 597, MedGen C5830701, MONDO:0007294, OMIM 117000.

Submissions (4):

Labcorp Genetics (formerly Invitae), Labcorp
Classification: Pathogenic for RYR1-related disorder. Last evaluated: 2021-04-02. Review status: criteria provided, single submitter. Criteria: Invitae Variant Classification Sherloc (09022015). Collection method: clinical testing. Allele origin: germline.
Comment: Advanced modeling of protein sequence and biophysical properties (such as structural, functional, and spatial information, amino acid conservation, physicochemical variation, residue mobility, and thermodynamic stability) performed at Invitae indicates that this missense variant is expected to disrupt RYR1 protein function. For these reasons, this variant has been classified as Pathogenic. This variant has been observed in individual(s) with autosomal dominant central core disease (PMID: 11709545, Invitae). It has also been observed to segregate with disease in related individuals. ClinVar contains an entry for this variant (Variation ID: 65962). This variant is not present in population databases (ExAC no frequency). This sequence change replaces leucine with proline at codon 4793 of the RYR1 protein (p.Leu4793Pro). The leucine residue is highly conserved and there is a moderate physicochemical difference between leucine and proline.

PreventionGenetics, part of Exact Sciences
Classification: Uncertain significance. Last evaluated: 2016-06-24. Review status: criteria provided, single submitter. Criteria: ACMG Guidelines, 2015. Collection method: clinical testing. Allele origin: germline.

GeneReviews
Classification: Pathogenic for Central Core Disease. Last evaluated: 2010-05-11. Review status: no assertion criteria provided. Collection method: curation. Allele origin: unknown. Not counted in ClinVar's aggregate classification.
ClinVar note: Converted during submission from pathologic to Pathogenic.

RYR1 database
No classification provided. Review status: no classification provided. Collection method: not provided. Allele origin: unknown. Not counted in ClinVar's aggregate classification.

Literature cited by the submitters: PubMed 11709545 (cited by Labcorp Genetics (formerly Invitae), Labcorp).